The following is an entry in ClinVar:

ClinVar aggregate classification (germline): Uncertain significance. Review status: criteria provided, multiple submitters, no conflicts (2 of 4 stars). 3 submissions from 3 submitters: Uncertain significance (3). Last evaluated 2026-07-13.

Conditions:
Inborn genetic diseases. Identifiers: MedGen C0950123, MeSH D030342.
Neuronopathy, distal hereditary motor, type 7A. Also called: NEURONOPATHY, DISTAL HEREDITARY MOTOR, HARDING TYPE VIIA; NEUROPATHY, DISTAL HEREDITARY MOTOR, HARDING TYPE VIIA; Neuronopathy, distal hereditary motor, autosomal dominant 7; Neuronopathy, distal hereditary motor, type viia; HARPER-YOUNG MYOPATHY; HMN VIIA. Identifiers: Orphanet 139589, MedGen C1834703, MONDO:0008024, OMIM 158580.
Congenital myasthenic syndrome 20. Also called: Myasthenic syndrome, congenital, 20, presynaptic. Identifiers: MedGen C4310694, MONDO:0014939, OMIM 617143.

gnomAD v4.1: 10 of 1,614,160 alleles (0.00062%); highest among the groups gnomAD compares: African/African-American, 0.0013%; no homozygotes.

Submissions (3):

Ambry Genetics
Classification: Uncertain significance for Inborn genetic diseases. Last evaluated: 2026-07-13. Review status: criteria provided, single submitter. Criteria: Ambry Variant Classification Scheme 2023. Collection method: clinical testing. Allele origin: germline.

Labcorp Genetics (formerly Invitae), Labcorp
Classification: Uncertain significance for Neuronopathy, distal hereditary motor, type 7A; Congenital myasthenic syndrome 20. Last evaluated: 2024-07-29. Review status: criteria provided, single submitter. Criteria: Invitae Variant Classification Sherloc (09022015). Collection method: clinical testing. Allele origin: germline.
Comment: This sequence change replaces proline, which is neutral and non-polar, with arginine, which is basic and polar, at codon 105 of the SLC5A7 protein (p.Pro105Arg). This variant is not present in population databases (gnomAD no frequency). This variant has not been reported in the literature in individuals affected with SLC5A7-related conditions. Advanced modeling of protein sequence and biophysical properties (such as structural, functional, and spatial information, amino acid conservation, physicochemical variation, residue mobility, and thermodynamic stability) performed at Invitae indicates that this missense variant is not expected to disrupt SLC5A7 protein function with a negative predictive value of 80%. In summary, the available evidence is currently insufficient to determine the role of this variant in disease. Therefore, it has been classified as a Variant of Uncertain Significance.

GeneDx
Classification: Uncertain significance. Last evaluated: 2023-06-16. Review status: criteria provided, single submitter. Criteria: GeneDx Variant Classification Process June 2021. Collection method: clinical testing. Allele origin: germline. Affected: yes.
Comment: Not observed at significant frequency in large population cohorts (gnomAD); In silico analysis supports that this missense variant does not alter protein structure/function; Has not been previously published as pathogenic or benign to our knowledge

NM_021815.5(SLC5A7):c.314C>G (p.Pro105Arg)

Gene: SLC5A7 (solute carrier family 5 member 7; plus strand). Cytogenetic location: 2q12.3.
Variant type: single nucleotide variant.
Coding change: c.314C>G on transcript NM_021815.5 (MANE Select); coding-DNA position 314, C replaced by G.
Protein change: p.Pro105Arg; replaces proline 105 with arginine.
Molecular consequence: missense variant. On other transcripts: 5 prime UTR variant (2).
Genome position (GRCh38, 1-based): chr2:107,992,993, C>G. VCF-style: chr2-107992993-C-G. GRCh37 (hg19) VCF-style: chr2-108609449-C-G.
Other names: c.314C>G, p.Pro105Arg (NM_001305005.3); c.-2C>G (NM_001305006.3); c.-391C>G (NM_001305007.3); short protein forms P105R.
Identifiers: ClinVar variation 3340234 (VCV003340234.4).
Genomic context (GRCh38, chr2:107,992,993, plus strand): 5'-TTCTTTTTATTTTCTCCTAAACAGTTGCTTAATTTTTAGGTGGCCTGTTCTTTGCAAAAC[C>G]TATGCGTTCAAAGGGGTATGTGACCATGTTAGACCCGTTTCAGCAAATCTATGGAAAACG-3'
Protein context (NP_068587.1, residues 95-115): LILGGLFFAK[Pro105Arg]MRSKGYVTML